The following is an entry in ClinVar:

ClinVar aggregate classification (germline): Uncertain significance (1 of 4 stars; one submission).

Conditions:
CLTC-related disorder. Also called: CLTC-related condition.

Submission:

PreventionGenetics, part of Exact Sciences
Classification: Uncertain significance for CLTC-related condition. Last evaluated: 2023-05-26. Review status: criteria provided, single submitter. Criteria: ACMG Guidelines, 2015. Collection method: clinical testing. Allele origin: germline.
Comment: The CLTC c.3208G>A variant is predicted to result in the amino acid substitution p.Glu1070Lys. To our knowledge, this variant has not been reported in the literature or in a large population database, indicating this variant is rare. At this time, the clinical significance of this variant is uncertain due to the absence of conclusive functional and genetic evidence.

NM_004859.4(CLTC):c.3196G>A (p.Glu1066Lys)

Gene: CLTC (clathrin heavy chain; plus strand). Cytogenetic location: 17q23.1.
Variant type: single nucleotide variant.
Coding change: c.3196G>A on transcript NM_004859.4 (MANE Select); coding-DNA position 3196, G replaced by A.
Protein change: p.Glu1066Lys; replaces glutamic acid 1066 with lysine.
Molecular consequence: missense variant.
Genome position (GRCh38, 1-based): chr17:59,681,425, G>A. VCF-style: chr17-59681425-G-A. GRCh37 (hg19) VCF-style: chr17-57758786-G-A.
Other names: c.3208G>A, p.Glu1070Lys (NM_001288653.2); short protein forms E1066K, E1070K.
Identifiers: ClinVar variation 2632625 (VCV002632625.1), dbSNP rs2509150855, ClinGen allele CA400417224.